The following is an entry in ClinVar:

NM_001291303.3(FAT4):c.3922G>T (p.Glu1308Ter)

Gene: FAT4 (FAT atypical cadherin 4; plus strand). Cytogenetic location: 4q28.1.
Variant type: single nucleotide variant.
Coding change: c.3922G>T on transcript NM_001291303.3 (MANE Select); coding-DNA position 3922, G replaced by T.
Protein change: p.Glu1308Ter; replaces glutamic acid 1308 with a stop codon.
Molecular consequence: nonsense.
Genome position (GRCh38, 1-based): chr4:125,320,333, G>T. VCF-style: chr4-125320333-G-T. GRCh37 (hg19) VCF-style: chr4-126241488-G-T.
Other names: c.3922G>T, p.Glu1308Ter (NM_001291285.3, NM_024582.6); short protein forms E1308*.
Identifiers: ClinVar variation 2818444 (VCV002818444.3), dbSNP rs2530446944, ClinGen allele CA358125027.

ClinVar aggregate classification (germline): Pathogenic (1 of 4 stars; one submission).

Submission:

Labcorp Genetics (formerly Invitae), Labcorp
Classification: Pathogenic. Last evaluated: 2022-12-04. Review status: criteria provided, single submitter. Criteria: Invitae Variant Classification Sherloc (09022015). Collection method: clinical testing. Allele origin: germline.
Comment: This sequence change creates a premature translational stop signal (p.Glu1308*) in the FAT4 gene. It is expected to result in an absent or disrupted protein product. Loss-of-function variants in FAT4 are known to be pathogenic (PMID: 24056717, 24913602). This variant is not present in population databases (gnomAD no frequency). This variant has not been reported in the literature in individuals affected with FAT4-related conditions. For these reasons, this variant has been classified as Pathogenic.

Literature cited by the submitters: PubMed 24056717; PubMed 24913602.